The following is an entry in ClinVar:

ClinVar aggregate classification (germline): Pathogenic (1 of 4 stars; one submission).

Submission:

Labcorp Genetics (formerly Invitae), Labcorp
Classification: Pathogenic. Last evaluated: 2022-03-15. Review status: criteria provided, single submitter. Criteria: Invitae Variant Classification Sherloc (09022015). Collection method: clinical testing. Allele origin: germline.
Comment: For these reasons, this variant has been classified as Pathogenic. A similar copy number variant has been observed in individuals with hereditary angioedema (PMID: 18758157; Invitae). It has also been observed to segregate with disease in related individuals. This variant is a gross deletion of the genomic region encompassing exon(s) 5-8 of the SERPING1 gene, which includes the termination codon. This deletion extends beyond the assayed region for this gene and therefore may encompass additional genes. While this deletion is not anticipated to lead to nonsense mediated decay, it is expected to alter mRNA translation or result in a truncated protein product.

Literature cited by the submitters: PubMed 18758157.

NC_000011.9:g.(?_57373463)_(57382054_?)del

Gene: SERPING1 (serpin family G member 1; plus strand). Cytogenetic location: 11q12.1.
Variant type: Deletion.
Identifiers: ClinVar variation 2422287 (VCV002422287.4).